The following is an entry in ClinVar:

NM_019892.6(INPP5E):c.278G>C (p.Arg93Thr)

Gene: INPP5E (inositol polyphosphate-5-phosphatase E; minus strand). Cytogenetic location: 9q34.3.
Variant type: single nucleotide variant.
Coding change: c.278G>C on transcript NM_019892.6 (MANE Select); coding-DNA position 278, G replaced by C.
Protein change: p.Arg93Thr; replaces arginine 93 with threonine.
Molecular consequence: missense variant.
Genome position (GRCh38, 1-based): chr9:136,439,142, C>G on the plus strand (G>C on the coding strand, the complement: INPP5E is on the minus strand). VCF-style: chr9-136439142-C-G. GRCh37 (hg19) VCF-style: chr9-139333594-C-G.
Other names: c.278G>C, p.Arg93Thr (NM_001318502.2); short protein forms R93T.
Identifiers: ClinVar variation 1439350 (VCV001439350.6), dbSNP rs2131619490, ClinGen allele CA375570095.
Genomic context (GRCh38, chr9:136,439,142, plus strand): 5'-CTGGAGGGACTGGTCCCATTCCGGGCTTCCAGGTCCTCCTGGCTGCCTCGAAAACGCCTC[C>G]TCCTCCAGCCCTTGTCGTCCAGGGACAGGGCTCGCTCCAGTCGAGGCCTGGCGGGGGGCC-3'
Protein context (NP_063945.2, residues 83-103): ALSLDDKGWR[Arg93Thr]RRFRGSQEDL

ClinVar aggregate classification (germline): Uncertain significance (1 of 4 stars; one submission).

Conditions:
Joubert syndrome. Also called: CEREBELLOPARENCHYMAL DISORDER IV; JOUBERT-BOLTSHAUSER SYNDROME; Familial aplasia of the vermis. Identifiers: Orphanet 475, MedGen C5979921, MONDO:0018772.

Submission:

Labcorp Genetics (formerly Invitae), Labcorp
Classification: Uncertain significance for Joubert syndrome. Last evaluated: 2021-07-28. Review status: criteria provided, single submitter. Criteria: Invitae Variant Classification Sherloc (09022015). Collection method: clinical testing. Allele origin: germline.
Comment: In summary, the available evidence is currently insufficient to determine the role of this variant in disease. Therefore, it has been classified as a Variant of Uncertain Significance. Advanced modeling of protein sequence and biophysical properties (such as structural, functional, and spatial information, amino acid conservation, physicochemical variation, residue mobility, and thermodynamic stability) performed at Invitae indicates that this missense variant is not expected to disrupt INPP5E protein function. This variant has not been reported in the literature in individuals affected with INPP5E-related conditions. The frequency data for this variant in the population databases is considered unreliable, as metrics indicate insufficient coverage at this position in the ExAC database. This sequence change replaces arginine with threonine at codon 93 of the INPP5E protein (p.Arg93Thr). The arginine residue is moderately conserved and there is a moderate physicochemical difference between arginine and threonine.